The following is an entry in ClinVar:

NM_198859.4(PRICKLE2):c.1037A>T (p.Lys346Met)

Gene: PRICKLE2 (prickle planar cell polarity protein 2; minus strand). Cytogenetic location: 3p14.1.
Variant type: single nucleotide variant.
Coding change: c.1037A>T on transcript NM_198859.4 (MANE Select); coding-DNA position 1037, A replaced by T.
Protein change: p.Lys346Met; replaces lysine 346 with methionine.
Molecular consequence: missense variant.
Genome position (GRCh38, 1-based): chr3:64,147,453, T>A on the plus strand (A>T on the coding strand, the complement: PRICKLE2 is on the minus strand). VCF-style: chr3-64147453-T-A. GRCh37 (hg19) VCF-style: chr3-64133129-T-A.
Other names: c.1037A>T, p.Lys346Met (NM_001370528.1); short protein forms K346M.
Identifiers: ClinVar variation 4741055 (VCV004741055.1).

ClinVar aggregate classification (germline): Uncertain significance (1 of 4 stars; one submission).

Conditions:
Progressive myoclonic epilepsy type 5. Identifiers: Orphanet 402082, MedGen C5190799.

Submission:

Labcorp Genetics (formerly Invitae), Labcorp
Classification: Uncertain significance for Progressive myoclonic epilepsy type 5. Last evaluated: 2025-11-01. Review status: criteria provided, single submitter. Criteria: Invitae Variant Classification Sherloc (09022015). Collection method: clinical testing. Allele origin: germline.
Comment: This sequence change replaces lysine, which is basic and polar, with methionine, which is neutral and non-polar, at codon 346 of the PRICKLE2 protein (p.Lys346Met). This variant is not present in population databases (gnomAD no frequency). This variant has not been reported in the literature in individuals affected with PRICKLE2-related conditions. Invitae Evidence Modeling of protein sequence and biophysical properties (such as structural, functional, and spatial information, amino acid conservation, physicochemical variation, residue mobility, and thermodynamic stability) indicates that this missense variant is not expected to disrupt PRICKLE2 protein function with a negative predictive value of 80%. In summary, the available evidence is currently insufficient to determine the role of this variant in disease. Therefore, it has been classified as a Variant of Uncertain Significance.